The following is an entry in ClinVar:

NM_001371928.1(AHDC1):c.2751_2754del (p.Gln919fs)

Gene: AHDC1 (AT-hook DNA binding motif containing 1; minus strand). Cytogenetic location: 1p36.11.
Variant type: Microsatellite.
Coding change: c.2751_2754del on transcript NM_001371928.1 (MANE Select); coding-DNA positions 2751 to 2754, 4 bases deleted (GCGC; older notation c.2751_2754delGCGC).
Protein change: p.Gln919fs; shifts the reading frame from glutamine 919.
Molecular consequence: frameshift variant.
Genome position (GRCh38, 1-based): chr1:27,549,362-27,549,365, GCGC deleted on the plus strand (GCGC on the coding strand, the reverse complement: AHDC1 is on the minus strand); deleting any 4 consecutive bases within chr1:27,549,362-27,549,368 gives the same sequence; the c. name uses the placement nearest the transcript's 3' end. VCF-style (leftmost placement, unchanged base first): chr1-27549361-GGCGC-G. GRCh37 (hg19) VCF-style: chr1-27875872-GGCGC-G.
Other names: c.2751_2754del, p.Gln919fs (NM_001029882.3); short protein forms Q919fs.
Identifiers: ClinVar variation 3723034 (VCV003723034.2).

ClinVar aggregate classification (germline): Pathogenic (1 of 4 stars; one submission).

Submission:

Labcorp Genetics (formerly Invitae), Labcorp
Classification: Pathogenic. Last evaluated: 2024-10-16. Review status: criteria provided, single submitter. Criteria: Invitae Variant Classification Sherloc (09022015). Collection method: clinical testing. Allele origin: germline.
Comment: This sequence change creates a premature translational stop signal (p.Gln919Profs*12) in the AHDC1 gene. It is expected to result in an absent or disrupted protein product. Loss-of-function variants in AHDC1 are known to be pathogenic (PMID: 24791903, 27148574). This variant is not present in population databases (gnomAD no frequency). This variant has not been reported in the literature in individuals affected with AHDC1-related conditions. For these reasons, this variant has been classified as Pathogenic.

Literature cited by the submitters: PubMed 24791903; PubMed 27148574.